The following is an entry in ClinVar:

NM_018180.3(DHX32):c.659A>G (p.His220Arg)

Gene: DHX32 (DEAH-box helicase 32 (putative); minus strand). Cytogenetic location: 10q26.2.
Variant type: single nucleotide variant.
Coding change: c.659A>G on transcript NM_018180.3 (MANE Select); coding-DNA position 659, A replaced by G.
Protein change: p.His220Arg; replaces histidine 220 with arginine.
Molecular consequence: missense variant.
Genome position (GRCh38, 1-based): chr10:125,859,793, T>C on the plus strand (A>G on the coding strand, the complement: DHX32 is on the minus strand). VCF-style: chr10-125859793-T-C. GRCh37 (hg19) VCF-style: chr10-127548362-T-C.
Other names: short protein forms H220R.
Identifiers: ClinVar variation 3639728 (VCV003639728.2).

ClinVar aggregate classification (germline): Uncertain significance (1 of 4 stars; one submission).

Submission:

Labcorp Genetics (formerly Invitae), Labcorp
Classification: Uncertain significance. Last evaluated: 2024-02-08. Review status: criteria provided, single submitter. Criteria: Invitae Variant Classification Sherloc (09022015). Collection method: clinical testing. Allele origin: germline.
Comment: This sequence change replaces histidine, which is basic and polar, with arginine, which is basic and polar, at codon 220 of the DHX32 protein (p.His220Arg). This variant is not present in population databases (gnomAD no frequency). This variant has not been reported in the literature in individuals affected with DHX32-related conditions. An algorithm developed to predict the effect of missense changes on protein structure and function (PolyPhen-2) suggests that this variant is likely to be tolerated. In summary, the available evidence is currently insufficient to determine the role of this variant in disease. Therefore, it has been classified as a Variant of Uncertain Significance.